The following is an entry in ClinVar:

ClinVar aggregate classification (germline): Likely benign. Review status: criteria provided, multiple submitters, no conflicts (2 of 4 stars). 6 submissions from 5 submitters: Likely benign (5). 1 of the submissions does not count toward it. Last evaluated 2025-03-30.

Conditions:
SETX-related disorder. Also called: SETX-related disorders; SETX-related condition. Identifiers: MedGen CN239403.
Inborn genetic diseases. Identifiers: MedGen C0950123, MeSH D030342.
Spinocerebellar ataxia, autosomal recessive, with axonal neuropathy 2 (SCAN2). Also called: Ataxia with Oculomotor Apraxia Type 2; ATAXIA-OCULOMOTOR APRAXIA 2; Ataxia-ocular apraxia-2; Ataxia with Oculomotor Apraxia. Identifiers: Orphanet 64753, MedGen C1853761, MONDO:0018996, OMIM 606002.
Amyotrophic lateral sclerosis type 4 (ALS4). Also called: AMYOTROPHIC LATERAL SCLEROSIS 4, JUVENILE; NEURONOPATHY, DISTAL HEREDITARY MOTOR, WITH PYRAMIDAL FEATURES. Identifiers: Orphanet 357043, MedGen C1865409, MONDO:0011223, OMIM 602433.

Allele frequency attached by ClinVar (database versions not stated): gnomAD 0.00001; gnomAD exomes 0.00003 and 0.00004; TOPMed 0.00003; ExAC 0.00007; ESP Exome Variant Server 0.00008.
gnomAD v4.1: 52 of 1,614,108 alleles (0.0032%); highest among the groups gnomAD compares: Non-Finnish European, 0.0038%; no homozygotes.

Submissions (6):

Labcorp Genetics (formerly Invitae), Labcorp
Classification: Likely benign for Amyotrophic lateral sclerosis type 4; Spinocerebellar ataxia, autosomal recessive, with axonal neuropathy 2. Last evaluated: 2025-03-30. Review status: criteria provided, single submitter. Criteria: Invitae Variant Classification Sherloc (09022015). Collection method: clinical testing. Allele origin: germline.

Blueprint Genetics
Classification: Likely benign. Last evaluated: 2024-11-27. Review status: criteria provided, single submitter. Criteria: ACMG Guidelines, 2015. Collection method: clinical testing. Allele origin: germline.

Genome-Nilou Lab
Classification: Likely benign for Spinocerebellar ataxia, autosomal recessive, with axonal neuropathy 2. Last evaluated: 2023-02-08. Review status: criteria provided, single submitter. Criteria: ACMG Guidelines, 2015. Collection method: clinical testing. Allele origin: germline.

Genome-Nilou Lab
Classification: Likely benign for Amyotrophic lateral sclerosis type 4. Last evaluated: 2023-02-08. Review status: criteria provided, single submitter. Criteria: ACMG Guidelines, 2015. Collection method: clinical testing. Allele origin: germline.

Ambry Genetics
Classification: Likely benign for Inborn genetic diseases. Last evaluated: 2019-07-11. Review status: criteria provided, single submitter. Criteria: Ambry Variant Classification Scheme 2023. Collection method: clinical testing. Allele origin: germline.

PreventionGenetics, part of Exact Sciences
Classification: Likely benign for SETX-related condition. Last evaluated: 2024-03-06. Review status: no assertion criteria provided. Collection method: clinical testing. Allele origin: germline. Not counted in ClinVar's aggregate classification.
Comment: This variant is classified as likely benign based on ACMG/AMP sequence variant interpretation guidelines (Richards et al. 2015 PMID: 25741868, with internal and published modifications).

NM_015046.7(SETX):c.4563A>G (p.Glu1521=)

Gene: SETX (senataxin; minus strand). Cytogenetic location: 9q34.13.
Variant type: single nucleotide variant.
Coding change: c.4563A>G on transcript NM_015046.7 (MANE Select); coding-DNA position 4563, A replaced by G.
Protein change: p.Glu1521=; no amino-acid change (glutamic acid 1521 retained).
Molecular consequence: synonymous variant.
Genome position (GRCh38, 1-based): chr9:132,327,035, T>C on the plus strand (A>G on the coding strand, the complement: SETX is on the minus strand). VCF-style: chr9-132327035-T-C. GRCh37 (hg19) VCF-style: chr9-135202422-T-C.
Other names: c.4563A>G, p.Glu1521= (NM_001351527.2, NM_001351528.2).
Identifiers: ClinVar variation 468509 (VCV000468509.13), dbSNP rs374149839, ClinGen allele CA5297177.
Genomic context (GRCh38, chr9:132,327,035, plus strand): 5'-CAACTGAGGCCGACTTACAGAATCTTCTTCAACCTCAACTGTATCTTTTCCATGAATTAG[T>C]TCAATGAGTTTATAATTGTCATTCTCCATTTGTGAACATAAATCCATATCTTCAGGATCA-3'
Protein context (NP_055861.3, residues 1511-1531): QMENDNYKLI[Glu1521=]LIHGKDTVEV